The following is an entry in ClinVar:

ClinVar aggregate classification (germline): Uncertain significance (1 of 4 stars; one submission).

Conditions:
Hereditary spastic paraplegia 43. Also called: Spastic paraplegia 43, autosomal recessive. Identifiers: Orphanet 320370, MedGen C2680446, MONDO:0014024, OMIM 615043.

Submission:

Neuberg Centre For Genomic Medicine, NCGM
Classification: Uncertain significance for Hereditary spastic paraplegia 43. Last evaluated: 2023-03-01. Review status: criteria provided, single submitter. Criteria: ACMG Guidelines, 2015. Collection method: clinical testing. Allele origin: germline. Inheritance: Autosomal recessive inheritance. Affected: yes.
Comment: The frame shift c.161_170dup (p.Leu60CysfsTer15) variant in C19orf12 gene has not been reported previously as a pathogenic variant nor as a benign variant, to our knowledge. The p.Leu60CysfsTer15 variant is novel (not in any individuals) in gnomAD Exomes and 1000 Genomes. This variant has not been reported to the ClinVar database. This variant causes a frameshift starting with codon Leucine 60, changes this amino acid to Cysteine residue, and creates a premature Stop codon at position 15 of the new reading frame, denoted p.Leu60CysfsTer15. Loss of function variants have been previously reported to be disease causing. However, since this variant is present in the last exon, functional studies will be required to prove protein truncation to prove protein truncation. Hence for these reasons, this variant has been classified as uncertain significance (VUS).

NM_031448.6(C19orf12):c.161_170dup (p.Leu60fs)

Gene: C19orf12 (chromosome 19 open reading frame 12; minus strand). Cytogenetic location: 19q12.
Variant type: Duplication.
Coding change: c.161_170dup on transcript NM_031448.6 (MANE Select); coding-DNA positions 161 to 170, 10 bases duplicated (GGGGGGCTGT; older notation c.161_170dupGGGGGGCTGT).
Protein change: p.Leu60fs; shifts the reading frame from leucine 60.
Molecular consequence: frameshift variant. On other transcripts: 5 prime UTR variant (3).
Genome position (GRCh38, 1-based): chr19:29,702,968-29,702,977, ACAGCCCCCC duplicated on the plus strand (GGGGGGCTGT on the coding strand, the reverse complement: C19orf12 is on the minus strand). VCF-style (leftmost placement, unchanged base first): chr19-29702967-G-GACAGCCCCCC. GRCh37 (hg19) VCF-style: chr19-30193874-G-GACAGCCCCCC.
Other names: c.161_170dup, p.Leu60fs (NM_001031726.4, NM_001256046.3, NM_001256047.2); c.-32_-23dup (NM_001282929.1, NM_001282930.3, NM_001282931.3); short protein forms L60fs.
Identifiers: ClinVar variation 2671800 (VCV002671800.1), dbSNP rs2513282210, ClinGen allele CA2695198164.
Genomic context (GRCh38, chr19:29,702,967, plus strand): 5'-TAGGATCTGAGGAACCGGCTTAAACTGTCCACTTGTCATCCAGGCACCTAACAGCCCCCC[G>GACAGCCCCCC]ACAGCCCCCCCTAGAAAACATGGAATCGTTCAATTAGTGGGTCTTATTCATAAGCGATGG-3'